The following is an entry in ClinVar:

NM_006939.4(SOS2):c.3901C>T (p.His1301Tyr)

Gene: SOS2 (SOS Ras/Rho guanine nucleotide exchange factor 2; minus strand). Cytogenetic location: 14q21.3.
Variant type: single nucleotide variant.
Coding change: c.3901C>T on transcript NM_006939.4 (MANE Select); coding-DNA position 3901, C replaced by T.
Protein change: p.His1301Tyr; replaces histidine 1301 with tyrosine.
Molecular consequence: missense variant.
Genome position (GRCh38, 1-based): chr14:50,118,442, G>A on the plus strand (C>T on the coding strand, the complement: SOS2 is on the minus strand). VCF-style: chr14-50118442-G-A. GRCh37 (hg19) VCF-style: chr14-50585160-G-A.
Other names: c.3901C>T (NM_006939.2); c.3802C>T, p.His1268Tyr (NM_001411020.1); short protein forms H1268Y, H1301Y.
Identifiers: ClinVar variation 2727863 (VCV002727863.6), dbSNP rs184739336, ClinGen allele CA7176692.

ClinVar aggregate classification (germline): Conflicting classifications of pathogenicity. Review status: criteria provided, conflicting classifications (1 of 4 stars). 3 submissions from 3 submitters: Uncertain significance (1); Likely benign (1). 1 of the submissions does not count toward it. Last evaluated 2025-11-23.

Conditions:
Cardiovascular phenotype. Identifiers: MedGen CN230736.
SOS2-related disorder. Also called: SOS2-related condition.
Noonan syndrome 9 (NS9). Identifiers: Orphanet 648, MedGen C4225282, MONDO:0014691, OMIM 616559.

Allele frequency attached by ClinVar (database versions not stated): gnomAD exomes below 0.00001; ExAC 0.00002; gnomAD 0.00003; TOPMed 0.00003; 1000 Genomes Project 0.00020; 1000 Genomes Project 30x 0.00031.
gnomAD v4.1: 8 of 1,614,120 alleles (0.0005%); highest among the groups gnomAD compares: East Asian, 0.018%; no homozygotes.

Submissions (3):

Ambry Genetics
Classification: Uncertain significance for Cardiovascular phenotype. Last evaluated: 2025-11-23. Review status: criteria provided, single submitter. Criteria: Ambry Variant Classification Scheme 2023. Collection method: clinical testing. Allele origin: germline.

Labcorp Genetics (formerly Invitae), Labcorp
Classification: Likely benign for Noonan syndrome 9. Last evaluated: 2025-01-21. Review status: criteria provided, single submitter. Criteria: Invitae Variant Classification Sherloc (09022015). Collection method: clinical testing. Allele origin: germline.

PreventionGenetics, part of Exact Sciences
Classification: Likely benign for SOS2-related condition. Last evaluated: 2021-07-23. Review status: no assertion criteria provided. Collection method: clinical testing. Allele origin: germline. Not counted in ClinVar's aggregate classification.
Comment: This variant is classified as likely benign based on ACMG/AMP sequence variant interpretation guidelines (Richards et al. 2015 PMID: 25741868, with internal and published modifications).